The following is an entry in ClinVar:

ClinVar aggregate classification (germline): Uncertain significance. Review status: criteria provided, multiple submitters, no conflicts (2 of 4 stars). 3 submissions from 3 submitters: Uncertain significance (3). Last evaluated 2024-09-06.

Conditions:
Inborn genetic diseases. Identifiers: MedGen C0950123, MeSH D030342.

Allele frequency attached by ClinVar (database versions not stated): gnomAD exomes 0.00001.

Submissions (3):

Labcorp Genetics (formerly Invitae), Labcorp
Classification: Uncertain significance. Last evaluated: 2024-09-06. Review status: criteria provided, single submitter. Criteria: Invitae Variant Classification Sherloc (09022015). Collection method: clinical testing. Allele origin: germline.
Comment: This sequence change replaces proline, which is neutral and non-polar, with threonine, which is neutral and polar, at codon 498 of the MAGEL2 protein (p.Pro498Thr). This variant is not present in population databases (gnomAD no frequency). This variant has not been reported in the literature in individuals affected with MAGEL2-related conditions. ClinVar contains an entry for this variant (Variation ID: 2231671). Experimental studies and prediction algorithms are not available or were not evaluated, and the functional significance of this variant is currently unknown. In summary, the available evidence is currently insufficient to determine the role of this variant in disease. Therefore, it has been classified as a Variant of Uncertain Significance.

CeGaT Center for Human Genetics Tuebingen
Classification: Uncertain significance. Last evaluated: 2024-03-01. Review status: criteria provided, single submitter. Criteria: CeGaT Center For Human Genetics Tuebingen Variant Classification Criteria Version 2. Collection method: clinical testing. Allele origin: germline. Affected: yes. Observed: 1 variant allele.
Comment: MAGEL2: PM2, PP3

Ambry Genetics
Classification: Uncertain significance for Inborn genetic diseases. Last evaluated: 2021-07-08. Review status: criteria provided, single submitter. Criteria: Ambry Variant Classification Scheme 2023. Collection method: clinical testing. Allele origin: germline.

NM_019066.5(MAGEL2):c.1492C>A (p.Pro498Thr)

Gene: MAGEL2 (MAGE family member L2; minus strand). Cytogenetic location: 15q11.2.
Variant type: single nucleotide variant.
Coding change: c.1492C>A on transcript NM_019066.5 (MANE Select); coding-DNA position 1492, C replaced by A.
Protein change: p.Pro498Thr; replaces proline 498 with threonine.
Molecular consequence: missense variant.
Genome position (GRCh38, 1-based): chr15:23,646,251, G>T on the plus strand (C>A on the coding strand, the complement: MAGEL2 is on the minus strand). VCF-style: chr15-23646251-G-T. GRCh37 (hg19) VCF-style: chr15-23891398-G-T.
Other names: short protein forms P498T.
Identifiers: ClinVar variation 2231671 (VCV002231671.26), dbSNP rs1190845516, ClinGen allele CA391333933.